The following is an entry in ClinVar:

NM_000142.5(FGFR3):c.1949A>T (p.Lys650Met)

Gene: FGFR3 (fibroblast growth factor receptor 3; plus strand). Cytogenetic location: 4p16.3.
Variant type: single nucleotide variant.
Coding change: c.1949A>T on transcript NM_000142.5 (MANE Select); coding-DNA position 1949, A replaced by T.
Protein change: p.Lys650Met; replaces lysine 650 with methionine.
Molecular consequence: missense variant. On other transcripts: non-coding transcript variant (1).
Genome position (GRCh38, 1-based): chr4:1,806,163, A>T. VCF-style: chr4-1806163-A-T. GRCh37 (hg19) VCF-style: chr4-1807890-A-T.
Other names: c.1955A>T, p.Lys652Met (NM_001163213.2); c.1952A>T, p.Lys651Met (NM_001354809.2, NM_001354810.2); c.1613A>T, p.Lys538Met (NM_022965.4); short protein forms K650M, K652M, K538M, K651M.
Identifiers: ClinVar variation 16341 (VCV000016341.22), dbSNP rs121913105, ClinGen allele CA126382.

ClinVar aggregate classification (germline): Pathogenic. Review status: criteria provided, multiple submitters, no conflicts (2 of 4 stars). 10 submissions from 9 submitters: Pathogenic (7). 3 of the submissions do not count toward it. Last evaluated 2026-06-23.

Conditions:
Severe achondroplasia-developmental delay-acanthosis nigricans syndrome. Also called: Severe achondroplasia with developmental delay and acanthosis nigricans; SADDAN dysplasia. Identifiers: Orphanet 85165, MedGen C2674173, MONDO:0014658, OMIM 616482.
Malignant tumor of urinary bladder. Also called: Urinary Bladder Neoplasms; Bladder cancer; Urinary bladder cancer. Identifiers: MedGen C0005684, MONDO:0001187, OMIM 109800.
Muenke syndrome (MNKES). Also called: MUENKE NONSYNDROMIC CORONAL CRANIOSYNOSTOSIS. Identifiers: Orphanet 53271, MedGen C1864436, MONDO:0011274, OMIM 602849.
Achondroplasia (ACH). Also called: Achondroplastic dwarfism. Identifiers: Orphanet 15, MedGen C0001080, MONDO:0007037, OMIM 100800. Disease mechanism: gain of function.
Germ cell tumor of testis (TGCT). Also called: GERM CELL TUMOR, SOMATIC; Testicular germ cell tumor. Identifiers: Orphanet 363504, MedGen C1336708, MONDO:0010108, OMIM 273300.
Hypochondroplasia (HCH). Identifiers: Orphanet 429, MedGen C0410529, MONDO:0007793, OMIM 146000. Disease mechanism: gain of function.
Thanatophoric dysplasia type 1 (TD1). Also called: Thanatophoric Dysplasia Type 1 (TD Type 1); LETHAL SHORT-LIMBED PLATYSPONDYLIC DWARFISM, SAN DIEGO TYPE; PLATYSPONDYLIC LETHAL SKELETAL DYSPLASIA, SAN DIEGO TYPE. Identifiers: Orphanet 1860, Orphanet 2655, MedGen C1868678, MONDO:0008546, OMIM 187600. Disease mechanism: gain of function.
Thanatophoric dysplasia, type 2 (TD2). Also called: Thanatophoric Dysplasia Type 2 (TD Type 2); CLOVERLEAF SKULL WITH THANATOPHORIC DWARFISM; THANATOPHORIC DYSPLASIA WITH KLEEBLATTSCHAEDEL; THANATOPHORIC DYSPLASIA WITH STRAIGHT FEMURS AND CLOVERLEAF SKULL. Identifiers: Orphanet 2655, Orphanet 93274, MedGen C1300257, MONDO:0008547, OMIM 187601. Disease mechanism: gain of function.
Levy-Hollister syndrome (LADD). Also called: LADD syndrome. Identifiers: Orphanet 2363, MedGen C0265269, MONDO:0007872.
Camptodactyly-tall stature-scoliosis-hearing loss syndrome. Also called: CATSHL SYNDROME. Identifiers: Orphanet 85164, MedGen C1864852, MONDO:0012504, OMIM 610474.
Epidermal nevus. Also called: Nevus, epidermal, somatic; NEVUS, KERATINOCYTIC, NONEPIDERMOLYTIC. Identifiers: Orphanet 79414, MedGen C0334082, MONDO:0008093, OMIM 162900, HP:0010816.
Cervical cancer. Also called: Cervix cancer; Cervical cancer, somatic; Cancer of cervix. Identifiers: MedGen C4048328, MONDO:0002974, OMIM 603956, HP:0030079.
Crouzon syndrome-acanthosis nigricans syndrome. Also called: CROUZONODERMOSKELETAL SYNDROME. Identifiers: Orphanet 93262, MedGen C2677099, MONDO:0012833, OMIM 612247.
Colorectal cancer. Also called: Malignant Colorectal Neoplasm; Colorectal cancer, somatic. Identifiers: MedGen C0346629, MONDO:0005575, OMIM 114500.
FGFR3-related disorder. Also called: FGFR3-related disorders.
FGFR3-related chondrodysplasia. Identifiers: Orphanet 93420, MedGen C5681604, MONDO:0019685.

Submissions (10):

Genomenon, Inc
Classification: Pathogenic for FGFR3-related chondrodysplasia. Last evaluated: 2026-06-23. Review status: criteria provided, single submitter. Criteria: Genomenon Sequence Variant Interpretation Standards - Updated. Collection method: curation. Allele origin: germline. Affected: yes.
Comment: FGFR3 p.Lys650Met (c.1949A>T) is a missense variant that changes the amino acid at codon 650 from Lysine to Methionine. This variant has been observed in multiple probands with an FGFR3-related disorder (PMID:38993719;27214123;9677066;18076102;25119967;10053006). A de novo occurrence of this variant has been observed in at least one affected individual (PMID:18076102;10053006). At least one functional study has demonstrated a substantial alteration in protein function relative to the wild-type (PMID:10053006;25777271;11055896;19088846). It is absent or not present at a significant frequency in gnomAD. In silico models predict that this variant is possibly or probably damaging. In conclusion, we classify FGFR3 p.Lys650Met (c.1949A>T) as a pathogenic variant.

Labcorp Genetics (formerly Invitae), Labcorp
Classification: Pathogenic. Last evaluated: 2025-02-20. Review status: criteria provided, single submitter. Criteria: Invitae Variant Classification Sherloc (09022015). Collection method: clinical testing. Allele origin: germline.
Comment: This sequence change replaces lysine, which is basic and polar, with methionine, which is neutral and non-polar, at codon 650 of the FGFR3 protein (p.Lys650Met). This variant is not present in population databases (gnomAD no frequency). This missense change has been observed in individual(s) with severe achondroplasia with developmental delay and acanthosis nigricans (PMID: 10053006, 18076102). In at least one individual the variant was observed to be de novo. ClinVar contains an entry for this variant (Variation ID: 16341). Invitae Evidence Modeling of protein sequence and biophysical properties (such as structural, functional, and spatial information, amino acid conservation, physicochemical variation, residue mobility, and thermodynamic stability) indicates that this missense variant is expected to disrupt FGFR3 protein function with a positive predictive value of 95%. Experimental studies have shown that this missense change affects FGFR3 function (PMID: 9857065, 19088846). This variant disrupts the p.Lys650 amino acid residue in FGFR3. Other variant(s) that disrupt this residue have been determined to be pathogenic (PMID: 17875876, 26818779). This suggests that this residue is clinically significant, and that variants that disrupt this residue are likely to be disease-causing. For these reasons, this variant has been classified as Pathogenic.

Foundation for Research in Genetics and Endocrinology, FRIGE's Institute of Human Genetics
Classification: Pathogenic for Hypochondroplasia. Last evaluated: 2022-09-29. Review status: criteria provided, single submitter. Criteria: ACMG Guidelines, 2015. Collection method: clinical testing. Allele origin: germline. Inheritance: Autosomal dominant inheritance. Affected: yes. Observed: 1 heterozygote.
Comment: A heterozygous missense variation in exon 14 of the FGFR3 gene that results in the amino acid substitution of Methionine for Lysine at codon 650 was detected . The p.Lys650Met variant has not been reported in the 1000 genomes, gnomAD and our internal databases. The in silico predictions of the variant are probably damaging by PolyPhen-2 (HumDiv), damaging by SIFT, LRT and MutationTaster2. The reference codon is conserved across species. In summary, the variant meets our criteria to be classified as a pathogenic.

Clinical Genetics Laboratory, Skane University Hospital Lund
Classification: Pathogenic. Last evaluated: 2022-07-13. Review status: criteria provided, single submitter. Criteria: ACMG Guidelines, 2015. Collection method: clinical testing. Allele origin: germline. Affected: yes.

Fulgent Genetics
Classification: Pathogenic for Achondroplasia; Malignant tumor of urinary bladder; Colorectal cancer; Hypochondroplasia; LADD syndrome 1; Epidermal nevus; Thanatophoric dysplasia type 1; Thanatophoric dysplasia, type 2; Germ cell tumor of testis; Muenke syndrome; Cervical cancer; Camptodactyly-tall stature-scoliosis-hearing loss syndrome; Crouzon syndrome-acanthosis nigricans syndrome; Severe achondroplasia-developmental delay-acanthosis nigricans syndrome. Last evaluated: 2022-05-31. Review status: criteria provided, single submitter. Criteria: ACMG Guidelines, 2015. Collection method: clinical testing. Allele origin: unknown.

GeneDx
Classification: Pathogenic. Last evaluated: 2020-07-29. Review status: criteria provided, single submitter. Criteria: GeneDx Variant Classification Process June 2021. Collection method: clinical testing. Allele origin: germline. Affected: yes.
Comment: Published functional studies demonstrate significantly increased receptor kinase activity compared to wild type (Tavormina et al., 1999; Krejci et al., 2008); Not observed in large population cohorts (Lek et al., 2016); This variant is associated with the following publications: (PMID: 10053006, 30782830, 18076102, 9207791, 27214123, 10671061, 25119967, 19088846, 19039991, 25614871, 9857065, 10377013, 29242050, 29030113, 29360984, 22045636, 20301540, 30048571, 29542187, 30168875, 29068064)

Blueprint Genetics
Classification: Pathogenic for FGFR3-related disorders. Last evaluated: 2018-02-05. Review status: criteria provided, single submitter. Criteria: ACMG Guidelines, 2015. Collection method: clinical testing. Allele origin: germline. Affected: yes. Observed: 1 variant allele.

OMIM
Classification: Pathogenic for ACHONDROPLASIA, SEVERE, WITH DEVELOPMENTAL DELAY AND ACANTHOSIS NIGRICANS. Last evaluated: 2008-01-15. Review status: no assertion criteria provided. Collection method: literature only. Allele origin: unknown. Not counted in ClinVar's aggregate classification.

OMIM
Classification: Pathogenic for THANATOPHORIC DYSPLASIA, TYPE I. Last evaluated: 2008-01-15. Review status: no assertion criteria provided. Collection method: literature only. Allele origin: unknown. Not counted in ClinVar's aggregate classification.

GeneReviews
No classification provided. Condition: Thanatophoric dysplasia type 1. Review status: no classification provided. Collection method: literature only. Allele origin: unknown. Not counted in ClinVar's aggregate classification.

Literature cited by the submitters: PubMed 25777271 (cited by Genomenon, Inc); PubMed 10053006 (cited by 3 submitters); PubMed 11055896 (cited by Genomenon, Inc); PubMed 19088846 (cited by Genomenon, Inc and Labcorp Genetics (formerly Invitae), Labcorp); PubMed 38993719 (cited by Genomenon, Inc); PubMed 27214123 (cited by Genomenon, Inc); PubMed 9677066 (cited by Genomenon, Inc); PubMed 18076102 (cited by 3 submitters); PubMed 25119967 (cited by Genomenon, Inc); PubMed 38411226 (cited by Genomenon, Inc); PubMed 31476288 (cited by Genomenon, Inc); PubMed 29068064 (cited by Genomenon, Inc); PubMed 28254233 (cited by Genomenon, Inc); PubMed 10827454 (cited by Genomenon, Inc); PubMed 11426459 (cited by Genomenon, Inc); PubMed 24075385 (cited by Genomenon, Inc); PubMed 9857065 (cited by Labcorp Genetics (formerly Invitae), Labcorp); PubMed 17875876 (cited by Labcorp Genetics (formerly Invitae), Labcorp); PubMed 26818779 (cited by Labcorp Genetics (formerly Invitae), Labcorp); Francomano, C. A., Bellus, G. A., Szabo, J., McIntosh, I., Dorst, J., Lee, R., Hurko, O., Fraley, A. E., Bamshad, M. J. A new skeletal dysplasia with severe tibial bowing, profound developmental delay and acanthosis nigricans is caused by a Lys 650 Met mutation in fibroblast growth factor receptor 3 (FGFR3). (Abstract) Am. J. Hum. Genet. 59 (suppl.): A25-only, 1996. (cited by OMIM); PubMed 9207791 (cited by OMIM); PubMed 10671061 (cited by OMIM); PubMed 20301540 (cited by GeneReviews); NCBI Bookshelf NBK1366 (cited by GeneReviews).